The following is an entry in ClinVar:

NM_000492.4(CFTR):c.3148C>G (p.Pro1050Ala)

Genes: CFTR-AS2 (CFTR antisense RNA 2; minus strand), CFTR (CF transmembrane conductance regulator; plus strand), LOC111674472 (DNase I hypersensitive sites in introns 16 and 17a of CFTR; plus strand). Cytogenetic location: 7q31.2.
Variant type: single nucleotide variant.
Coding change: c.3148C>G on transcript NM_000492.4 (MANE Select); coding-DNA position 3148, C replaced by G.
Protein change: p.Pro1050Ala; replaces proline 1050 with alanine.
Molecular consequence: missense variant.
Genome position (GRCh38, 1-based): chr7:117,611,589, C>G. VCF-style: chr7-117611589-C-G. GRCh37 (hg19) VCF-style: chr7-117251643-C-G.
Other names: short protein forms P1050A.
Identifiers: ClinVar variation 1728143 (VCV001728143.5), dbSNP rs370430187, ClinGen allele CA164966275.
Genomic context (GRCh38, chr7:117,611,589, plus strand): 5'-TACATTTTGTGTTTATGTTATTTGCAATGTTTTCTATGGAAATATTTCACAGGCAGGAGT[C>G]CAATTTTCACTCATCTTGTTACAAGCTTAAAAGGACTATGGACACTTCGTGCCTTCGGAC-3'
Protein context (NP_000483.3, residues 1040-1060): LKQLESEGRS[Pro1050Ala]IFTHLVTSLK

ClinVar aggregate classification (germline): Uncertain significance. Review status: criteria provided, multiple submitters, no conflicts (2 of 4 stars). 2 submissions from 2 submitters: Uncertain significance (2). Last evaluated 2025-02-25.

Conditions:
Cystic fibrosis (CF). Also called: MUCOVISCIDOSIS. Identifiers: Orphanet 586, MedGen C0010674, MONDO:0009061, OMIM 219700. Disease mechanism: loss of function.

Allele frequency attached by ClinVar (database versions not stated): ESP Exome Variant Server 0.00008; TOPMed 0.00002; gnomAD 0.00001.
gnomAD v4.1: 9 of 1,600,760 alleles (0.00056%); highest among the groups gnomAD compares: African/African-American, 0.0067%; no homozygotes.

Submissions (2):

Labcorp Genetics (formerly Invitae), Labcorp
Classification: Uncertain significance for Cystic fibrosis. Last evaluated: 2025-02-25. Review status: criteria provided, single submitter. Criteria: Invitae Variant Classification Sherloc (09022015). Collection method: clinical testing. Allele origin: germline.
Comment: This sequence change replaces proline, which is neutral and non-polar, with alanine, which is neutral and non-polar, at codon 1050 of the CFTR protein (p.Pro1050Ala). This variant is present in population databases (rs370430187, gnomAD 0.007%). This variant has not been reported in the literature in individuals affected with CFTR-related conditions. ClinVar contains an entry for this variant (Variation ID: 1728143). Invitae Evidence Modeling of protein sequence and biophysical properties (such as structural, functional, and spatial information, amino acid conservation, physicochemical variation, residue mobility, and thermodynamic stability) indicates that this missense variant is expected to disrupt CFTR protein function with a positive predictive value of 80%. In summary, the available evidence is currently insufficient to determine the role of this variant in disease. Therefore, it has been classified as a Variant of Uncertain Significance.

Ambry Genetics
Classification: Uncertain significance for Cystic fibrosis. Last evaluated: 2024-03-01. Review status: criteria provided, single submitter. Criteria: Ambry Variant Classification Scheme 2023. Collection method: clinical testing. Allele origin: germline.
Comment: The p.P1050A variant (also known as c.3148C>G), located in coding exon 20 of the CFTR gene, results from a C to G substitution at nucleotide position 3148. The proline at codon 1050 is replaced by alanine, an amino acid with a few highly similar properties. This variant was previously reported in the SNPDatabase as rs370430187. Based on data from the NHLBI Exome Sequencing Project (ESP), the G allele has an overall frequency of approximately 0.01% (1/13006) total alleles studied, having been observed in 0.02% (1/4406) African American alleles. This amino acid position is well conserved in available vertebrate species. In addition, this alteration is predicted to be deleterious by in silico analysis. Since supporting evidence is limited at this time, the clinical significance of this variant remains unclear.